The following is an entry in ClinVar:

ClinVar aggregate classification (germline): Likely pathogenic (1 of 4 stars; one submission).

Conditions:
Granulomatous disease, chronic, X-linked. Also called: CYTOCHROME b-NEGATIVE GRANULOMATOUS DISEASE, CHRONIC, X-LINKED; GRANULOMATOUS DISEASE, CHRONIC, X-LINKED, SOMATIC MOSAIC. Identifiers: Orphanet 379, MedGen C1844376, MONDO:0010600, OMIM 306400.

Submissions (2):

Pele Pequeno Principe Research Institute, Faculdades Pequeno Principe
Classification: Likely pathogenic for Granulomatous disease, chronic, X-linked. Last evaluated: 2025-12-01. Review status: criteria provided, single submitter. Criteria: ACMG Guidelines, 2015. Collection method: research. Allele origin: germline. Affected: yes. Observed: 1 hemizygote.
Comment: The CYBB:c.G1354T:p.E452* (GRCh38 - chrX:37806426 G>T) variant consists of a single-nucleotide substitution of guanine (G) to a timine (T), resulting in a premature translational stop signal (p.E452*). It is expected to result in an absent or disrupted protein product. Loss-of-function variants in CYBB are known to be pathogenic (PMID: 9585602, 20729109) (PVS1). According to the Genome Aggregation Database (gnomAD), this variant is absent from population datasets (PM2). This variant is reported on ClinVar (ID: 4487777/VCV004487777.1) but with no classification data available. Based on the collective evidence, the c.G1354T variant is classified as pathogenic for Chronic granulomatous disease.

Dr. Peter K. Rogan Lab, Western University
No classification provided (evidence only). Condition: Thyroid cancer, nonmedullary, 1. Review status: no classification provided. Collection method: in vitro. Allele origin: not applicable. Functional consequence: retained intron. Not counted in ClinVar's aggregate classification.

Literature cited by the submitters: PubMed 9585602 (cited by Pele Pequeno Principe Research Institute, Faculdades Pequeno Principe); PubMed 20729109 (cited by Pele Pequeno Principe Research Institute, Faculdades Pequeno Principe).

NM_000397.4(CYBB):c.1354G>T (p.Glu452Ter)

Gene: CYBB (cytochrome b-245 beta chain; plus strand). Cytogenetic location: Xp11.4.
Variant type: single nucleotide variant.
Coding change: c.1354G>T on transcript NM_000397.4 (MANE Select); coding-DNA position 1354, G replaced by T.
Protein change: p.Glu452Ter; replaces glutamic acid 452 with a stop codon.
Molecular consequence: nonsense.
Genome position (GRCh38, 1-based): chrX:37,806,426, G>T. VCF-style: chrX-37806426-G-T. GRCh37 (hg19) VCF-style: chrX-37665679-G-T.
Other names: NC_000023.10:g.37665679G>T; short protein forms E452*.
Identifiers: ClinVar variation 4487777 (VCV004487777.2).